The following is an entry in ClinVar:

NM_006031.6(PCNT):c.1753C>T (p.Arg585Ter)

Gene: PCNT (pericentrin; plus strand). Cytogenetic location: 21q22.3.
Variant type: single nucleotide variant.
Coding change: c.1753C>T on transcript NM_006031.6 (MANE Select); coding-DNA position 1753, C replaced by T.
Protein change: p.Arg585Ter; replaces arginine 585 with a stop codon.
Molecular consequence: nonsense.
Genome position (GRCh38, 1-based): chr21:46,354,060, C>T. VCF-style: chr21-46354060-C-T. GRCh37 (hg19) VCF-style: chr21-47773974-C-T.
Other names: c.1399C>T, p.Arg467Ter (NM_001315529.2); short protein forms R467*, R585*.
Identifiers: ClinVar variation 2713446 (VCV002713446.3), dbSNP rs1360157605, ClinGen allele CA410562153.

ClinVar aggregate classification (germline): Pathogenic (1 of 4 stars; one submission).

Allele frequency attached by ClinVar (database versions not stated): gnomAD exomes below 0.00001; TOPMed below 0.00001; gnomAD 0.00001.
gnomAD v4.1: 7 of 1,613,802 alleles (0.00043%); highest among the groups gnomAD compares: Admixed American, 0.0033%; no homozygotes.

Submission:

Labcorp Genetics (formerly Invitae), Labcorp
Classification: Pathogenic. Last evaluated: 2023-07-29. Review status: criteria provided, single submitter. Criteria: Invitae Variant Classification Sherloc (09022015). Collection method: clinical testing. Allele origin: germline.
Comment: For these reasons, this variant has been classified as Pathogenic. This premature translational stop signal has been observed in individual(s) with Seckel syndrome (PMID: 19643772). This variant is present in population databases (no rsID available, gnomAD 0.003%). This sequence change creates a premature translational stop signal (p.Arg585*) in the PCNT gene. It is expected to result in an absent or disrupted protein product. Loss-of-function variants in PCNT are known to be pathogenic (PMID: 18174396, 22821869).

Literature cited by the submitters: PubMed 19643772; PubMed 18174396; PubMed 22821869.